The following is an entry in ClinVar:

NC_000011.10:g.47338683G>C

Gene: MYBPC3 (myosin binding protein C3; minus strand). Cytogenetic location: 11p11.2.
Variant type: single nucleotide variant.
Genome position: GRCh38 VCF-style: chr11-47338683-G-C. GRCh37 (hg19) VCF-style: chr11-47360234-G-C.
Other names: c.2149-4C>G (LRG_386t1, NM_000256.3).
Identifiers: ClinVar variation 525094 (VCV000525094.12), dbSNP rs1324005699, ClinGen allele CA599374350.
Genomic context (GRCh38, chr11:47,338,683, plus strand): 5'-GATGCTGCGGTCCTTGGTGGTCTCCACGCGGACCCGGCCCTCGGTCTCACACAGCAGCTG[G>C]GGGGGTGCAGAGTTGGGGTGAGATCCAAGTCAGACCCCAGAGGCCCTTGCAGCCTCCGCC-3'

ClinVar aggregate classification (germline): Likely benign. Review status: criteria provided, multiple submitters, no conflicts (2 of 4 stars). 3 submissions from 3 submitters: Likely benign (3). Last evaluated 2025-10-11.

Conditions:
Hypertrophic cardiomyopathy. Also called: HYPERTROPHIC MYOCARDIOPATHY. Identifiers: Orphanet 217569, MedGen C0007194, MeSH D002312, MONDO:0005045, HP:0001639.
Cardiomyopathy (CMYO). Also called: Cardiomyopathies. Identifiers: Orphanet 167848, MedGen C0878544, MONDO:0004994, HP:0001638. Inheritance: Various modes of inheritance.

Allele frequency attached by ClinVar (database versions not stated): gnomAD 0.00001; gnomAD exomes 0.00002; TOPMed 0.00002.
gnomAD v4.1: 14 of 1,607,416 alleles (0.00087%); highest among the groups gnomAD compares: East Asian, 0.027%; no homozygotes.

Submissions (3):

Labcorp Genetics (formerly Invitae), Labcorp
Classification: Likely benign for Hypertrophic cardiomyopathy. Last evaluated: 2025-10-11. Review status: criteria provided, single submitter. Criteria: Invitae Variant Classification Sherloc (09022015). Collection method: clinical testing. Allele origin: germline.

All of Us Research Program, National Institutes of Health
Classification: Likely benign for Hypertrophic cardiomyopathy. Last evaluated: 2023-02-24. Review status: criteria provided, single submitter. Criteria: ACMG Guidelines, 2015. Collection method: clinical testing. Allele origin: germline. Inheritance: Autosomal dominant inheritance. Observed: 1 variant allele, 1 heterozygote.
Comment: This study involves interpretation of variants in research participants for the purpose of population health screening. Participant phenotype was not available at the time of variant classification. Additional details can be found in publication PMID: 35346344, PMCID: PMC8962531

Color Diagnostics, LLC DBA Color Health
Classification: Likely benign for Cardiomyopathy. Last evaluated: 2019-07-27. Review status: criteria provided, single submitter. Criteria: ACMG Guidelines, 2015. Collection method: clinical testing. Allele origin: germline.